The following is an entry in ClinVar:

NM_014615.5(GSE1):c.799A>T (p.Met267Leu)

Gene: GSE1 (Gse1 coiled-coil protein; plus strand). Cytogenetic location: 16q24.1.
Variant type: single nucleotide variant.
Coding change: c.799A>T on transcript NM_014615.5 (MANE Select); coding-DNA position 799, A replaced by T.
Protein change: p.Met267Leu; replaces methionine 267 with leucine.
Molecular consequence: missense variant.
Genome position (GRCh38, 1-based): chr16:85,655,727, A>T. VCF-style: chr16-85655727-A-T. GRCh37 (hg19) VCF-style: chr16-85689333-A-T.
Other names: NC_000016.9:g.85689333A>T; c.799A>T (NM_014615.2); c.487A>T, p.Met163Leu (NM_001134473.3); c.580A>T, p.Met194Leu (NM_001278184.3); short protein forms M163L, M194L, M267L.
Identifiers: ClinVar variation 774509 (VCV000774509.10), dbSNP rs151194801, ClinGen allele CA8214337.

ClinVar aggregate classification (germline): Conflicting classifications of pathogenicity. Review status: criteria provided, conflicting classifications (1 of 4 stars). 4 submissions from 4 submitters: Uncertain significance (1); Benign (2); Likely benign (1). Last evaluated 2026-01-01.

Allele frequency attached by ClinVar (database versions not stated): ESP Exome Variant Server 0.00277; TOPMed 0.00278; 1000 Genomes Project 0.00280; gnomAD exomes 0.00318; ExAC 0.00319; 1000 Genomes Project 30x 0.00234; gnomAD 0.00243 and 0.00267.
gnomAD v4.1: 4,558 of 1,598,060 alleles (0.29%); highest among the groups gnomAD compares: South Asian, 0.81%; 15 homozygotes.

Submissions (10):

CeGaT Center for Human Genetics Tuebingen
Classification: Likely benign. Last evaluated: 2026-01-01. Review status: criteria provided, single submitter. Criteria: CeGaT Center For Human Genetics Tuebingen Variant Classification Criteria Version 2. Collection method: clinical testing. Allele origin: germline. Affected: yes. Observed: 1 variant allele.
Comment: GSE1: BS2

Ambry Genetics
Classification: Uncertain significance. Last evaluated: 2025-08-21. Review status: criteria provided, single submitter. Criteria: Ambry Variant Classification Scheme 2023. Collection method: clinical testing. Allele origin: germline.

Labcorp Genetics (formerly Invitae), Labcorp
Classification: Benign. Last evaluated: 2018-12-18. Review status: criteria provided, single submitter. Criteria: Invitae Variant Classification Sherloc (09022015). Collection method: clinical testing. Allele origin: germline.

Breakthrough Genomics
Classification: Benign. Review status: criteria provided, single submitter. Criteria: ACMG Guidelines, 2015. Collection method: not provided. Allele origin: germline. Inheritance: Unknown mechanism. Affected: yes.

Dr. Peter K. Rogan Lab, Western University
No classification provided (evidence only). Condition: Malignant tumor of urinary bladder. Review status: no classification provided. Collection method: in vitro. Allele origin: not applicable. Functional consequence: retained intron. Not counted in ClinVar's aggregate classification.

Dr. Peter K. Rogan Lab, Western University
No classification provided (evidence only). Condition: Acute myeloid leukemia. Review status: no classification provided. Collection method: in vitro. Allele origin: not applicable. Functional consequence: retained intron. Not counted in ClinVar's aggregate classification.

Dr. Peter K. Rogan Lab, Western University
No classification provided (evidence only). Condition: Uterine corpus endometrial carcinoma. Review status: no classification provided. Collection method: in vitro. Allele origin: not applicable. Functional consequence: retained intron. Not counted in ClinVar's aggregate classification.

Dr. Peter K. Rogan Lab, Western University
No classification provided (evidence only). Condition: Uterine corpus endometrial carcinoma. Review status: no classification provided. Collection method: in vitro. Allele origin: not applicable. Functional consequence: retained intron. Not counted in ClinVar's aggregate classification.

Dr. Peter K. Rogan Lab, Western University
No classification provided (evidence only). Condition: Thymoma. Review status: no classification provided. Collection method: in vitro. Allele origin: not applicable. Functional consequence: retained intron. Not counted in ClinVar's aggregate classification.

Dr. Peter K. Rogan Lab, Western University
No classification provided (evidence only). Condition: Adrenocortical carcinoma, hereditary. Review status: no classification provided. Collection method: in vitro. Allele origin: not applicable. Functional consequence: retained intron. Not counted in ClinVar's aggregate classification.